The following is an entry in ClinVar:

ClinVar aggregate classification (germline): Conflicting classifications of pathogenicity. Review status: criteria provided, conflicting classifications (1 of 4 stars). 3 submissions from 3 submitters: Uncertain significance (1); Likely benign (2). Last evaluated 2025-09-25.

Conditions:
SMPD1-related disorder. Also called: SMPD1-related condition.
Niemann-Pick disease, type B. Also called: Chronic Visceral ASMD (Niemann-Pick Disease Type B; NPD-B). Identifiers: Orphanet 77293, MedGen C0268243, MONDO:0011871, OMIM 607616. Disease mechanism: loss of function.
Niemann-Pick disease, type A. Also called: Infantile Neurovisceral ASMD (Niemann-Pick Disease Type A; NPD-A); SPHINGOMYELIN LIPIDOSIS; SPHINGOMYELINASE DEFICIENCY. Identifiers: Orphanet 77292, MedGen C0268242, MONDO:0009756, OMIM 257200. Disease mechanism: loss of function.

gnomAD v4.1: 1 of 1,614,212 alleles (0.000062%); highest among the groups gnomAD compares: Non-Finnish European, 0.000085%; no homozygotes.

Submissions (3):

PreventionGenetics, part of Exact Sciences
Classification: Likely benign for SMPD1-related condition. Last evaluated: 2025-09-25. Review status: criteria provided, single submitter. Criteria: ACMG Guidelines, 2015. Collection method: clinical testing. Allele origin: germline.
Comment: This variant is classified as likely benign based on ACMG/AMP sequence variant interpretation guidelines (Richards et al. 2015 PMID: 25741868, with internal and published modifications).

Labcorp Genetics (formerly Invitae), Labcorp
Classification: Likely benign for Niemann-Pick disease, type B; Niemann-Pick disease, type A. Last evaluated: 2023-08-20. Review status: criteria provided, single submitter. Criteria: Invitae Variant Classification Sherloc (09022015). Collection method: clinical testing. Allele origin: germline.

Eurofins Ntd Llc (ga)
Classification: Uncertain significance. Last evaluated: 2017-04-20. Review status: criteria provided, single submitter. Criteria: EGL Classification Definitions 2015. Collection method: clinical testing. Allele origin: germline. Observed: 1 variant allele, 1 heterozygote.

NM_000543.5(SMPD1):c.255G>A (p.Gly85=)

Gene: SMPD1 (sphingomyelin phosphodiesterase 1; plus strand). Cytogenetic location: 11p15.4.
Variant type: single nucleotide variant.
Coding change: c.255G>A on transcript NM_000543.5 (MANE Select); coding-DNA position 255, G replaced by A.
Protein change: p.Gly85=; no amino-acid change (glycine 85 retained).
Molecular consequence: synonymous variant. On other transcripts: 5 prime UTR variant (1), non-coding transcript variant (2).
Genome position (GRCh38, 1-based): chr11:6,390,853, G>A. VCF-style: chr11-6390853-G-A. GRCh37 (hg19) VCF-style: chr11-6412083-G-A.
Other names: c.255G>A (NM_000543.4); c.255G>A, p.Gly85= (NM_001007593.3, NM_001318087.2, NM_001365135.2); c.-707G>A (NM_001318088.2).
Identifiers: ClinVar variation 501599 (VCV000501599.9), dbSNP rs1554933929, ClinGen allele CA472909580.
Genomic context (GRCh38, chr11:6,390,853, plus strand): 5'-TCCCCAAGGCCATCCTGCCAGGTTACATCGCATAGTGCCCCGGCTCCGAGATGTCTTTGG[G>A]TGGGGGAACCTCACCTGCCCAATCTGCAAAGGTCTATTCACCGCCATCAACCTCGGGCTG-3'
Protein context (NP_000534.3, residues 75-95): RIVPRLRDVF[Gly85=]WGNLTCPICK